The following is an entry in ClinVar:

ClinVar aggregate classification (germline): Likely benign. Review status: criteria provided, multiple submitters, no conflicts (2 of 4 stars). 3 submissions from 3 submitters: Likely benign (2). 1 of the submissions does not count toward it. Last evaluated 2025-10-03.

Conditions:
GZF1-related disorder. Also called: GZF1-related condition.

Allele frequency attached by ClinVar (database versions not stated): gnomAD exomes 0.00005; TOPMed 0.00005; gnomAD 0.00008; ExAC 0.00009; ESP Exome Variant Server 0.00023.
gnomAD v4.1: 87 of 1,614,186 alleles (0.0054%); highest among the groups gnomAD compares: Non-Finnish European, 0.0067%; no homozygotes.

Submissions (3):

Labcorp Genetics (formerly Invitae), Labcorp
Classification: Likely benign. Last evaluated: 2025-10-03. Review status: criteria provided, single submitter. Criteria: Invitae Variant Classification Sherloc (09022015). Collection method: clinical testing. Allele origin: germline.

Blueprint Genetics
Classification: Likely benign. Last evaluated: 2024-10-10. Review status: criteria provided, single submitter. Criteria: ACMG Guidelines, 2015. Collection method: clinical testing. Allele origin: germline.

PreventionGenetics, part of Exact Sciences
Classification: Likely benign for GZF1-related condition. Last evaluated: 2024-03-27. Review status: no assertion criteria provided. Collection method: clinical testing. Allele origin: germline. Not counted in ClinVar's aggregate classification.
Comment: This variant is classified as likely benign based on ACMG/AMP sequence variant interpretation guidelines (Richards et al. 2015 PMID: 25741868, with internal and published modifications).

NM_022482.5(GZF1):c.96C>T (p.Asp32=)

Gene: GZF1 (GDNF inducible zinc finger protein 1; plus strand). Cytogenetic location: 20p11.21.
Variant type: single nucleotide variant.
Coding change: c.96C>T on transcript NM_022482.5 (MANE Select); coding-DNA position 96, C replaced by T.
Protein change: p.Asp32=; no amino-acid change (aspartic acid 32 retained).
Molecular consequence: synonymous variant.
Genome position (GRCh38, 1-based): chr20:23,364,479, C>T. VCF-style: chr20-23364479-C-T. GRCh37 (hg19) VCF-style: chr20-23345116-C-T.
Other names: c.96C>T (NM_022482.4); c.96C>T, p.Asp32= (NM_001317012.2, NM_001317019.1).
Identifiers: ClinVar variation 2725653 (VCV002725653.5), dbSNP rs138315434, ClinGen allele CA9788463.